The following is an entry in ClinVar:

NM_000051.4(ATM):c.1827G>A (p.Glu609=)

Gene: ATM (ATM serine/threonine kinase; plus strand). Cytogenetic location: 11q22.3.
Variant type: single nucleotide variant.
Coding change: c.1827G>A on transcript NM_000051.4 (MANE Select); coding-DNA position 1827, G replaced by A.
Protein change: p.Glu609=; no amino-acid change (glutamic acid 609 retained).
Molecular consequence: synonymous variant.
Genome position (GRCh38, 1-based): chr11:108,252,841, G>A. VCF-style: chr11-108252841-G-A. GRCh37 (hg19) VCF-style: chr11-108123568-G-A.
Other names: c.1827G>A, p.Glu609= (NM_001351834.2).
Identifiers: ClinVar variation 453385 (VCV000453385.8), dbSNP rs1555072460, ClinGen allele CA476672223.

ClinVar aggregate classification (germline): Benign/Likely benign. Review status: criteria provided, multiple submitters, no conflicts (2 of 4 stars). 2 submissions from 2 submitters: Benign (1); Likely benign (1). Last evaluated 2024-05-01.

Conditions:
Familial cancer of breast. Also called: Hereditary breast cancer; hereditary breast carcinoma; BREAST CANCER, FAMILIAL. Identifiers: Orphanet 227535, MedGen C0346153, MONDO:0016419, OMIM 114480. Disease mechanism: loss of function.
Ataxia-telangiectasia syndrome (AT). Also called: Cerebello-oculocutaneous telangiectasia; Immunodeficiency with ataxia telangiectasia; Ataxia-telangiectasia, complementation group D; AT, COMPLEMENTATION GROUP C; Ataxia-telangiectasia, complementation group E; LOUIS-BAR SYNDROME. Identifiers: Orphanet 100, MedGen C0004135, MONDO:0008840, OMIM 208900.

Submissions (2):

Myriad Genetics, Inc.
Classification: Benign for Familial cancer of breast. Last evaluated: 2024-05-01. Review status: criteria provided, single submitter. Criteria: Myriad Autosomal Dominant, Autosomal Recessive and X-Linked Classification Criteria (2023). Collection method: clinical testing. Allele origin: unknown.
Comment: This variant is considered benign. This variant is a silent/synonymous amino acid change and it is not expected to impact splicing.

Labcorp Genetics (formerly Invitae), Labcorp
Classification: Likely benign for Ataxia-telangiectasia syndrome. Last evaluated: 2023-08-14. Review status: criteria provided, single submitter. Criteria: Invitae Variant Classification Sherloc (09022015). Collection method: clinical testing. Allele origin: germline.